The following is an entry in ClinVar:

NM_005343.4(HRAS):c.503T>C (p.Leu168Pro)

Genes: HRAS (HRas proto-oncogene, GTPase; minus strand), LRRC56 (leucine rich repeat containing 56; plus strand). Cytogenetic location: 11p15.5.
Variant type: single nucleotide variant.
Coding change: c.503T>C on transcript NM_005343.4 (MANE Select); coding-DNA position 503, T replaced by C.
Protein change: p.Leu168Pro; replaces leucine 168 with proline.
Molecular consequence: missense variant. On other transcripts: 3 prime UTR variant (1).
Genome position (GRCh38, 1-based): chr11:532,703, A>G on the plus strand (T>C on the coding strand, the complement: HRAS is on the minus strand). VCF-style: chr11-532703-A-G. GRCh37 (hg19) VCF-style: chr11-532703-A-G.
Other names: c.503T>C, p.Leu168Pro (NM_001130442.3); c.266T>C, p.Leu89Pro (NM_001318054.2); c.*72T>C (NM_176795.5); short protein forms L168P, L89P.
Identifiers: ClinVar variation 935131 (VCV000935131.14), dbSNP rs756367459, ClinGen allele CA5779216.

ClinVar aggregate classification (germline): Uncertain significance. Review status: criteria provided, multiple submitters, no conflicts (2 of 4 stars). 3 submissions from 3 submitters: Uncertain significance (3). Last evaluated 2025-08-17.

Conditions:
Costello syndrome (CSTLO). Also called: FACIOCUTANEOSKELETAL SYNDROME; HRAS-Related Costello Syndrome; FCS SYNDROME. Identifiers: Orphanet 3071, MedGen C0587248, MONDO:0009026, OMIM 218040.
Noonan syndrome and Noonan-related syndrome. Identifiers: Orphanet 98733, MedGen C5681679, MONDO:0020297.

Allele frequency attached by ClinVar (database versions not stated): gnomAD exomes below 0.00001; ExAC 0.00001.
gnomAD v4.1: 2 of 1,613,216 alleles (0.00012%); highest among the groups gnomAD compares: Non-Finnish European, 0.00017%; no homozygotes.

Submissions (3):

Labcorp Genetics (formerly Invitae), Labcorp
Classification: Uncertain significance for Costello syndrome. Last evaluated: 2025-08-17. Review status: criteria provided, single submitter. Criteria: Invitae Variant Classification Sherloc (09022015). Collection method: clinical testing. Allele origin: germline.
Comment: This sequence change replaces leucine, which is neutral and non-polar, with proline, which is neutral and non-polar, at codon 168 of the HRAS protein (p.Leu168Pro). This variant is present in population databases (rs756367459, gnomAD 0.0009%). This variant has not been reported in the literature in individuals affected with HRAS-related conditions. ClinVar contains an entry for this variant (Variation ID: 935131). Invitae Evidence Modeling incorporating data from in vitro experimental studies (internal data) indicates that this missense variant is not expected to disrupt HRAS function with a negative predictive value of 95%. In summary, the available evidence is currently insufficient to determine the role of this variant in disease. Therefore, it has been classified as a Variant of Uncertain Significance.

Clinical Genetics Laboratory, Skane University Hospital Lund
Classification: Uncertain significance. Last evaluated: 2023-09-25. Review status: criteria provided, single submitter. Criteria: ACMG Guidelines, 2015. Collection method: clinical testing. Allele origin: germline. Affected: yes.

Genome Diagnostics Laboratory, The Hospital for Sick Children
Classification: Uncertain significance for Noonan syndrome and Noonan-related syndrome. Last evaluated: 2020-11-16. Review status: criteria provided, single submitter. Criteria: ACMG Guidelines, 2015. Collection method: clinical testing. Allele origin: germline.